The following is an entry in ClinVar:

ClinVar aggregate classification (germline): Uncertain significance. Review status: criteria provided, multiple submitters, no conflicts (2 of 4 stars). 2 submissions from 2 submitters: Uncertain significance (2). Last evaluated 2026-05-19.

Conditions:
Inborn genetic diseases. Identifiers: MedGen C0950123, MeSH D030342.

Submissions (2):

Ambry Genetics
Classification: Uncertain significance for Inborn genetic diseases. Last evaluated: 2026-05-19. Review status: criteria provided, single submitter. Criteria: Ambry Variant Classification Scheme 2023. Collection method: clinical testing. Allele origin: germline.

GeneDx
Classification: Uncertain significance. Last evaluated: 2022-08-12. Review status: criteria provided, single submitter. Criteria: GeneDx Variant Classification Process June 2021. Collection method: clinical testing. Allele origin: germline. Affected: yes.
Comment: Not observed at significant frequency in large population cohorts (gnomAD); In silico analysis supports that this missense variant has a deleterious effect on protein structure/function; Has not been previously published as pathogenic or benign to our knowledge

NM_000540.3(RYR1):c.11187G>A (p.Met3729Ile)

Gene: RYR1 (ryanodine receptor 1; plus strand). Cytogenetic location: 19q13.2.
Variant type: single nucleotide variant.
Coding change: c.11187G>A on transcript NM_000540.3 (MANE Select); coding-DNA position 11187, G replaced by A.
Protein change: p.Met3729Ile; replaces methionine 3729 with isoleucine.
Molecular consequence: missense variant.
Genome position (GRCh38, 1-based): chr19:38,532,535, G>A. VCF-style: chr19-38532535-G-A. GRCh37 (hg19) VCF-style: chr19-39023175-G-A.
Other names: c.11172G>A, p.Met3724Ile (NM_001042723.2); short protein forms M3724I, M3729I.
Identifiers: ClinVar variation 2429557 (VCV002429557.2), dbSNP rs2514516039, ClinGen allele CA405652578.